The following is an entry in ClinVar:

ClinVar aggregate classification (germline): Uncertain significance. Review status: criteria provided, multiple submitters, no conflicts (2 of 4 stars). 4 submissions from 4 submitters: Uncertain significance (3). 1 of the submissions does not count toward it. Last evaluated 2025-05-19.

Conditions:
Inborn genetic diseases. Identifiers: MedGen C0950123, MeSH D030342.
Glycogen storage disease, type VII (GSD7). Also called: GSD VII; MUSCLE PHOSPHOFRUCTOKINASE DEFICIENCY; PFKM DEFICIENCY; TARUI DISEASE. Identifiers: Orphanet 371, MedGen C0017926, MONDO:0009295, OMIM 232800.

Allele frequency attached by ClinVar (database versions not stated): gnomAD exomes below 0.00001; TOPMed 0.00001; ESP Exome Variant Server 0.00008.
gnomAD v4.1: 6 of 1,614,106 alleles (0.00037%); highest among the groups gnomAD compares: Admixed American, 0.005%; no homozygotes.

Submissions (4):

Ambry Genetics
Classification: Uncertain significance for Inborn genetic diseases. Last evaluated: 2025-05-19. Review status: criteria provided, single submitter. Criteria: Ambry Variant Classification Scheme 2023. Collection method: clinical testing. Allele origin: germline.

Mayo Clinic Laboratories, Mayo Clinic
Classification: Uncertain significance. Last evaluated: 2023-06-28. Review status: criteria provided, single submitter. Criteria: ACMG Guidelines, 2015. Collection method: clinical testing. Allele origin: germline. Observed: 1 variant allele.
Comment: BP4_strong, PM2_moderate

ARUP Laboratories, Molecular Genetics and Genomics, ARUP Laboratories
Classification: Uncertain significance for Glycogen storage disease, type VII. Last evaluated: 2019-11-18. Review status: criteria provided, single submitter. Criteria: ARUP Molecular Germline Variant Investigation Process. Collection method: clinical testing. Allele origin: germline.

Natera, Inc.
Classification: Uncertain significance for Glycogen storage disease type VII. Last evaluated: 2020-11-25. Review status: no assertion criteria provided. Collection method: clinical testing. Allele origin: germline. Not counted in ClinVar's aggregate classification.

NM_000289.6(PFKM):c.1295G>A (p.Arg432Gln)

Gene: PFKM (phosphofructokinase, muscle; plus strand). Cytogenetic location: 12q13.11.
Variant type: single nucleotide variant.
Coding change: c.1295G>A on transcript NM_000289.6 (MANE Select); coding-DNA position 1295, G replaced by A.
Protein change: p.Arg432Gln; replaces arginine 432 with glutamine.
Molecular consequence: missense variant. On other transcripts: non-coding transcript variant (6).
Genome position (GRCh38, 1-based): chr12:48,140,825, G>A. VCF-style: chr12-48140825-G-A. GRCh37 (hg19) VCF-style: chr12-48534608-G-A.
Other names: p.Arg432Gln; c.1508G>A, p.Arg503Gln (NM_001166686.2, NM_001354737.1, NM_001354738.1 and 1 more transcripts); c.1295G>A, p.Arg432Gln (NM_001166687.2, NM_001166688.2, NM_001354742.2 and 2 more transcripts); c.1604G>A, p.Arg535Gln (NM_001354735.1, NM_001354736.1); c.1439G>A, p.Arg480Gln (NM_001354740.1); c.1319G>A, p.Arg440Gln (NM_001354741.2); c.1208G>A, p.Arg403Gln (NM_001354745.2); c.1169G>A, p.Arg390Gln (NM_001354746.2); and 3 more; short protein forms R382Q, R390Q, R401Q, R403Q, R432Q, R440Q, R480Q, R503Q.
Identifiers: ClinVar variation 994191 (VCV000994191.13), dbSNP rs374824469, ClinGen allele CA6537303.